The following is an entry in ClinVar:

ClinVar aggregate classification (germline): Pathogenic (1 of 4 stars; one submission).

Conditions:
Neurometabolic disorder due to serine deficiency. Identifiers: Orphanet 35705, MedGen C5680148, MONDO:0018162.

Submission:

Myriad Genetics, Inc.
Classification: Pathogenic for Neurometabolic disorder due to serine deficiency. Last evaluated: 2024-05-14. Review status: criteria provided, single submitter. Criteria: Myriad Autosomal Dominant, Autosomal Recessive and X-Linked Classification Criteria (2023). Collection method: clinical testing. Allele origin: unknown.
Comment: NM_006623.3(PHGDH):c.330_331delTT(C111Wfs*64) is expected to be pathogenic in the context of serine deficiency disorder, PHGDH-related. This variant is predicted to lead to an abnormal or absent protein product due to the creation of a premature termination codon in PHGDH, a gene where loss-of-function variants are known to be pathogenic. Please note: this variant was assessed in the context of healthy population screening.

NM_006623.4(PHGDH):c.330_331del (p.Cys111fs)

Gene: PHGDH (phosphoglycerate dehydrogenase; plus strand). Cytogenetic location: 1p12.
Variant type: Deletion.
Coding change: c.330_331del on transcript NM_006623.4 (MANE Select); coding-DNA positions 330 to 331, 2 bases deleted (TT; older notation c.330_331delTT).
Protein change: p.Cys111fs; shifts the reading frame from cysteine 111.
Molecular consequence: frameshift variant.
Genome position (GRCh38, 1-based): chr1:119,723,415-119,723,416, TT deleted. VCF-style (leftmost placement, unchanged base first): chr1-119723414-CTT-C. GRCh37 (hg19) VCF-style: chr1-120266037-CTT-C.
Other names: short protein forms C111fs.
Identifiers: ClinVar variation 5012941 (VCV005012941.1).